The following is an entry in ClinVar:

ClinVar aggregate classification (germline): Uncertain significance. Review status: criteria provided, multiple submitters, no conflicts (2 of 4 stars). 2 submissions from 2 submitters: Uncertain significance (2). Last evaluated 2025-01-21.

Conditions:
Rhabdoid tumor predisposition syndrome 2 (RTPS2). Identifiers: Orphanet 231108, Orphanet 69077, MedGen C2750074, MONDO:0013224, OMIM 613325.
Hereditary cancer-predisposing syndrome. Also called: Tumor predisposition; Neoplastic Syndromes, Hereditary; Hereditary neoplastic syndrome; Hereditary Cancer Syndrome. Identifiers: Orphanet 140162, MedGen C0027672, MeSH D009386, MONDO:0015356.

Submissions (2):

Labcorp Genetics (formerly Invitae), Labcorp
Classification: Uncertain significance for Rhabdoid tumor predisposition syndrome 2. Last evaluated: 2025-01-21. Review status: criteria provided, single submitter. Criteria: Invitae Variant Classification Sherloc (09022015). Collection method: clinical testing. Allele origin: germline.
Comment: This sequence change replaces alanine, which is neutral and non-polar, with valine, which is neutral and non-polar, at codon 182 of the SMARCA4 protein (p.Ala182Val). This variant is not present in population databases (gnomAD no frequency). This variant has not been reported in the literature in individuals affected with SMARCA4-related conditions. Invitae Evidence Modeling of protein sequence and biophysical properties (such as structural, functional, and spatial information, amino acid conservation, physicochemical variation, residue mobility, and thermodynamic stability) has been performed for this missense variant. However, the output from this modeling did not meet the statistical confidence thresholds required to predict the impact of this variant on SMARCA4 protein function. In summary, the available evidence is currently insufficient to determine the role of this variant in disease. Therefore, it has been classified as a Variant of Uncertain Significance.

Ambry Genetics
Classification: Uncertain significance for Hereditary cancer-predisposing syndrome. Last evaluated: 2024-11-02. Review status: criteria provided, single submitter. Criteria: Ambry Variant Classification Scheme 2023. Collection method: clinical testing. Allele origin: germline.
Comment: The p.A182V variant (also known as c.545C>T), located in coding exon 3 of the SMARCA4 gene, results from a C to T substitution at nucleotide position 545. The alanine at codon 182 is replaced by valine, an amino acid with similar properties. This amino acid position is conserved. In addition, this alteration is predicted to be deleterious by in silico analysis. Based on the available evidence, the clinical significance of this variant remains unclear.

NM_003072.5(SMARCA4):c.545C>T (p.Ala182Val)

Gene: SMARCA4 (SWI/SNF related BAF chromatin remodeling complex subunit ATPase 4; plus strand). Cytogenetic location: 19p13.2.
Variant type: single nucleotide variant.
Coding change: c.545C>T on transcript NM_003072.5 (MANE Select); coding-DNA position 545, C replaced by T.
Protein change: p.Ala182Val; replaces alanine 182 with valine.
Molecular consequence: missense variant. On other transcripts: non-coding transcript variant (1).
Genome position (GRCh38, 1-based): chr19:10,986,378, C>T. VCF-style: chr19-10986378-C-T. GRCh37 (hg19) VCF-style: chr19-11097054-C-T.
Other names: c.545C>T, p.Ala182Val (NM_001128844.3, NM_001128845.2, NM_001128846.2 and 6 more transcripts); short protein forms A182V.
Identifiers: ClinVar variation 3446022 (VCV003446022.3).
Genomic context (GRCh38, chr19:10,986,378, plus strand): 5'-TGGGGCAGCAGAACCGGGGCCCAACCCCATTTAACCAGAACCAGCTGCACCAGCTCAGAG[C>T]TCAGATCATGGCCTACAAGATGCTGGCCAGGGGGCAGCCCCTCCCCGACCACCTGCAGAT-3'
Protein context (NP_003063.2, residues 172-192): FNQNQLHQLR[Ala182Val]QIMAYKMLAR